The following is an entry in ClinVar:

NM_001184880.2(PCDH19):c.1069G>A (p.Glu357Lys)

Gene: PCDH19 (protocadherin 19; minus strand). Cytogenetic location: Xq22.1.
Variant type: single nucleotide variant.
Coding change: c.1069G>A on transcript NM_001184880.2 (MANE Select); coding-DNA position 1069, G replaced by A.
Protein change: p.Glu357Lys; replaces glutamic acid 357 with lysine.
Molecular consequence: missense variant.
Genome position (GRCh38, 1-based): chrX:100,407,529, C>T on the plus strand (G>A on the coding strand, the complement: PCDH19 is on the minus strand). VCF-style: chrX-100407529-C-T. GRCh37 (hg19) VCF-style: chrX-99662527-C-T.
Other names: c.1069G>A, p.Glu357Lys (NM_001105243.2, NM_020766.3); short protein forms E357K.
Identifiers: ClinVar variation 2015296 (VCV002015296.4), dbSNP rs868697675, ClinGen allele CA333826075.

ClinVar aggregate classification (germline): Uncertain significance (1 of 4 stars; one submission).

Conditions:
Developmental and epileptic encephalopathy, 9 (DEE9). Also called: Early infantile epileptic encephalopathy 9; EPILEPSY, FEMALE-RESTRICTED, WITH MENTAL RETARDATION; PCDH19-Related X-Linked Female-Limited Epilepsy with Mental Retardation; JUBERG-HELLMAN SYNDROME. Identifiers: Orphanet 101039, Orphanet 2076, MedGen C1848137, MONDO:0010246, OMIM 300088. Disease mechanism: loss of function.

Allele frequency attached by ClinVar (database versions not stated): gnomAD exomes below 0.00001.

Submission:

Labcorp Genetics (formerly Invitae), Labcorp
Classification: Uncertain significance for Developmental and epileptic encephalopathy, 9. Last evaluated: 2024-06-03. Review status: criteria provided, single submitter. Criteria: Invitae Variant Classification Sherloc (09022015). Collection method: clinical testing. Allele origin: germline.
Comment: This sequence change replaces glutamic acid, which is acidic and polar, with lysine, which is basic and polar, at codon 357 of the PCDH19 protein (p.Glu357Lys). This variant is not present in population databases (gnomAD no frequency). This variant has not been reported in the literature in individuals affected with PCDH19-related conditions. ClinVar contains an entry for this variant (Variation ID: 2015296). Advanced modeling of protein sequence and biophysical properties (such as structural, functional, and spatial information, amino acid conservation, physicochemical variation, residue mobility, and thermodynamic stability) has been performed at Invitae for this missense variant, however the output from this modeling did not meet the statistical confidence thresholds required to predict the impact of this variant on PCDH19 protein function. In summary, the available evidence is currently insufficient to determine the role of this variant in disease. Therefore, it has been classified as a Variant of Uncertain Significance.